The following is an entry in ClinVar:

ClinVar aggregate classification (germline): Uncertain significance (1 of 4 stars; one submission).

Conditions:
Capillary malformation-arteriovenous malformation syndrome. Also called: Capillary malformation-arteriovenous malformation. Identifiers: Orphanet 137667, MedGen C1842180, MONDO:0012016.

Allele frequency attached by ClinVar (database versions not stated): gnomAD exomes below 0.00001.
gnomAD v4.1: 2 of 1,612,928 alleles (0.00012%); highest among the groups gnomAD compares: Non-Finnish European, 0.00017%; no homozygotes.

Submission:

Labcorp Genetics (formerly Invitae), Labcorp
Classification: Uncertain significance for Capillary malformation-arteriovenous malformation syndrome. Last evaluated: 2023-03-15. Review status: criteria provided, single submitter. Criteria: Invitae Variant Classification Sherloc (09022015). Collection method: clinical testing. Allele origin: germline.
Comment: In summary, the available evidence is currently insufficient to determine the role of this variant in disease. Therefore, it has been classified as a Variant of Uncertain Significance. An algorithm developed to predict the effect of missense changes on protein structure and function (PolyPhen-2) suggests that this variant is likely to be tolerated. This variant has not been reported in the literature in individuals affected with RASA1-related conditions. This variant is not present in population databases (gnomAD no frequency). This sequence change replaces isoleucine, which is neutral and non-polar, with threonine, which is neutral and polar, at codon 851 of the RASA1 protein (p.Ile851Thr).

NM_002890.3(RASA1):c.2552T>C (p.Ile851Thr)

Genes: CCNH (cyclin H; minus strand), RASA1 (RAS p21 protein activator 1; plus strand). Cytogenetic location: 5q14.3.
Variant type: single nucleotide variant.
Coding change: c.2552T>C on transcript NM_002890.3 (MANE Select); coding-DNA position 2552, T replaced by C.
Protein change: p.Ile851Thr; replaces isoleucine 851 with threonine.
Molecular consequence: missense variant. On other transcripts: intron variant (1).
Genome position (GRCh38, 1-based): chr5:87,379,799, T>C. VCF-style: chr5-87379799-T-C. GRCh37 (hg19) VCF-style: chr5-86675616-T-C.
Other names: c.2021T>C, p.Ile674Thr (NM_022650.3); c.933+15245A>G (NM_001364075.2); short protein forms I674T, I851T.
Identifiers: ClinVar variation 2838746 (VCV002838746.3), dbSNP rs2531359997, ClinGen allele CA360383895.